The following is an entry in ClinVar:

NM_000276.4(OCRL):c.1466+4A>G

Gene: OCRL (OCRL inositol polyphosphate-5-phosphatase; plus strand). Cytogenetic location: Xq26.1.
Variant type: single nucleotide variant.
Coding change: c.1466+4A>G on transcript NM_000276.4 (MANE Select); 4 bases into the intron after coding-DNA position 1466, A replaced by G.
Molecular consequence: intron variant.
Genome position (GRCh38, 1-based): chrX:129,567,367, A>G. VCF-style: chrX-129567367-A-G. GRCh37 (hg19) VCF-style: chrX-128701344-A-G.
Other names: c.1469+4A>G (NM_001318784.2); c.1466+4A>G (NM_001587.4).
Identifiers: ClinVar variation 982580 (VCV000982580.4), dbSNP rs1026438062, ClinGen allele CA335706695.

ClinVar aggregate classification (germline): Uncertain significance. Review status: criteria provided, multiple submitters, no conflicts (2 of 4 stars). 3 submissions from 3 submitters: Uncertain significance (3). Last evaluated 2024-06-26.

Conditions:
Lowe syndrome (OCRL). Also called: Oculocerebrorenal Syndrome; LOWE OCULOCEREBRORENAL SYNDROME; PHOSPHATIDYLINOSITOL 4,5-BISPHOSPHATE 5-PHOSPHATASE DEFICIENCY. Identifiers: Orphanet 534, MedGen C0028860, MONDO:0010645, OMIM 309000.
Dent disease type 2. Identifiers: Orphanet 1652, Orphanet 93623, MedGen C1845167, MONDO:0010359, OMIM 300555.

Allele frequency attached by ClinVar (database versions not stated): gnomAD exomes below 0.00001.
gnomAD v4.1: 2 of 1,091,048 alleles (0.00018%); highest among the groups gnomAD compares: Non-Finnish European, 0.00025%; no homozygotes.

Submissions (3):

Labcorp Genetics (formerly Invitae), Labcorp
Classification: Uncertain significance for Lowe syndrome. Last evaluated: 2024-06-26. Review status: criteria provided, single submitter. Criteria: Invitae Variant Classification Sherloc (09022015). Collection method: clinical testing. Allele origin: germline.
Comment: This sequence change falls in intron 14 of the OCRL gene. It does not directly change the encoded amino acid sequence of the OCRL protein. It affects a nucleotide within the consensus splice site. This variant is not present in population databases (gnomAD no frequency). This variant has not been reported in the literature in individuals affected with OCRL-related conditions. ClinVar contains an entry for this variant (Variation ID: 982580). Variants that disrupt the consensus splice site are a relatively common cause of aberrant splicing (PMID: 17576681, 9536098). Algorithms developed to predict the effect of sequence changes on RNA splicing suggest that this variant may disrupt the consensus splice site. In summary, the available evidence is currently insufficient to determine the role of this variant in disease. Therefore, it has been classified as a Variant of Uncertain Significance.

Institute of Human Genetics, University of Leipzig Medical Center
Classification: Uncertain significance for Dent disease type 2. Last evaluated: 2019-01-01. Review status: criteria provided, single submitter. Criteria: ACMG Guidelines, 2015. Collection method: clinical testing. Allele origin: unknown. Affected: yes.

Breakthrough Genomics
Classification: Uncertain significance. Review status: criteria provided, single submitter. Criteria: ACMG Guidelines, 2015. Collection method: not provided. Allele origin: germline. Inheritance: X-linked recessive inheritance. Affected: yes.

Literature cited by the submitters: PubMed 17576681 (cited by Labcorp Genetics (formerly Invitae), Labcorp); PubMed 9536098 (cited by Labcorp Genetics (formerly Invitae), Labcorp).